The following is an entry in ClinVar:

NM_139125.4(MASP1):c.1125C>T (p.His375=)

Gene: MASP1 (MBL associated serine protease 1; minus strand). Cytogenetic location: 3q27.3.
Variant type: single nucleotide variant.
Coding change: c.1125C>T on transcript NM_139125.4 (MANE Select); coding-DNA position 1125, C replaced by T.
Protein change: p.His375=; no amino-acid change (histidine 375 retained).
Molecular consequence: synonymous variant. On other transcripts: non-coding transcript variant (1).
Genome position (GRCh38, 1-based): chr3:187,243,587, G>A on the plus strand (C>T on the coding strand, the complement: MASP1 is on the minus strand). VCF-style: chr3-187243587-G-A. GRCh37 (hg19) VCF-style: chr3-186961375-G-A.
Other names: c.1125C>T, p.His375= (NM_001879.6).
Identifiers: ClinVar variation 286762 (VCV000286762.41), dbSNP rs34207306, ClinGen allele CA2749348.

ClinVar aggregate classification (germline): Conflicting classifications of pathogenicity. Review status: criteria provided, conflicting classifications (1 of 4 stars). 5 submissions from 5 submitters: Uncertain significance (1); Likely benign (4). Last evaluated 2026-03-01.

Conditions:
3MC syndrome 1. Also called: MICHELS SYNDROME; CRANIOSYNOSTOSIS WITH LID ANOMALIES; OCULOPALATOSKELETAL SYNDROME. Identifiers: Orphanet 293843, MedGen C0796059, MONDO:0009770, OMIM 257920.

Allele frequency attached by ClinVar (database versions not stated): 1000 Genomes Project 30x 0.00016; 1000 Genomes Project 0.00020; ExAC 0.00088; gnomAD 0.00095 and 0.00099; gnomAD exomes 0.00099 and 0.00198; TOPMed 0.00100; ESP Exome Variant Server 0.00154.
gnomAD v4.1: 2,993 of 1,614,190 alleles (0.19%); highest among the groups gnomAD compares: Non-Finnish European, 0.23%; 7 homozygotes.

Submissions (5):

CeGaT Center for Human Genetics Tuebingen
Classification: Likely benign. Last evaluated: 2026-03-01. Review status: criteria provided, single submitter. Criteria: CeGaT Center For Human Genetics Tuebingen Variant Classification Criteria Version 2. Collection method: clinical testing. Allele origin: germline. Affected: yes. Observed: 7 variant alleles.
Comment: MASP1: BP4, BP7

Labcorp Genetics (formerly Invitae), Labcorp
Classification: Likely benign for 3MC syndrome 1. Last evaluated: 2025-11-10. Review status: criteria provided, single submitter. Criteria: Invitae Variant Classification Sherloc (09022015). Collection method: clinical testing. Allele origin: germline.

Blueprint Genetics
Classification: Likely benign. Last evaluated: 2024-11-24. Review status: criteria provided, single submitter. Criteria: ACMG Guidelines, 2015. Collection method: clinical testing. Allele origin: germline.

GeneDx
Classification: Likely benign. Last evaluated: 2019-07-05. Review status: criteria provided, single submitter. Criteria: GeneDx Variant Classification Process June 2021. Collection method: clinical testing. Allele origin: germline. Affected: yes.

Eurofins Ntd Llc (ga)
Classification: Uncertain significance. Last evaluated: 2016-03-21. Review status: criteria provided, single submitter. Criteria: EGL Classification Definitions 2015. Collection method: clinical testing. Allele origin: germline. Observed: 1 variant allele, 1 heterozygote.